The following is an entry in ClinVar:

ClinVar aggregate classification (germline): Uncertain significance (1 of 4 stars; one submission).

Conditions:
Hereditary cancer-predisposing syndrome. Also called: Tumor predisposition; Hereditary Cancer Syndrome; Hereditary neoplastic syndrome; Neoplastic Syndromes, Hereditary. Identifiers: Orphanet 140162, MedGen C0027672, MeSH D009386, MONDO:0015356.

Submission:

Ambry Genetics
Classification: Uncertain significance for Hereditary cancer-predisposing syndrome. Last evaluated: 2024-05-04. Review status: criteria provided, single submitter. Criteria: Ambry Variant Classification Scheme 2023. Collection method: clinical testing. Allele origin: germline.
Comment: The p.S572N variant (also known as c.1715G>A), located in coding exon 15 of the NF2 gene, results from a G to A substitution at nucleotide position 1715. The serine at codon 572 is replaced by asparagine, an amino acid with highly similar properties. This amino acid position is conserved. In addition, this alteration is predicted to be tolerated by in silico analysis. Based on the available evidence, the clinical significance of this variant remains unclear.

NM_000268.4(NF2):c.1715G>A (p.Ser572Asn)

Gene: NF2 (NF2, moesin-ezrin-radixin like (MERLIN) tumor suppressor; plus strand). Cytogenetic location: 22q12.2.
Variant type: single nucleotide variant.
Coding change: c.1715G>A on transcript NM_000268.4 (MANE Select); coding-DNA position 1715, G replaced by A.
Protein change: p.Ser572Asn; replaces serine 572 with asparagine.
Molecular consequence: missense variant. On other transcripts: intron variant (3).
Genome position (GRCh38, 1-based): chr22:29,681,579, G>A. VCF-style: chr22-29681579-G-A. GRCh37 (hg19) VCF-style: chr22-30077568-G-A.
Other names: c.1325+3256G>A (NM_001407064.1); c.1601G>A, p.Ser534Asn (NM_001407053.1, NM_001407056.1); c.1592G>A, p.Ser531Asn (NM_001407054.1, NM_001407058.1, NM_181829.3); c.1589G>A, p.Ser530Asn (NM_001407055.1, NM_181828.3); c.1580G>A, p.Ser527Asn (NM_001407057.1, NM_001407059.1); c.1457G>A, p.Ser486Asn (NM_001407062.1); c.1466G>A, p.Ser489Asn (NM_001407063.1, NM_181830.3, NM_181831.3); c.1181G>A, p.Ser394Asn (NM_001407065.1); and 4 more; short protein forms S489N, S495N, S534N, S486N, S530N, S531N, S572N, S394N.
Identifiers: ClinVar variation 3299434 (VCV003299434.1).